The following is an entry in ClinVar:

ClinVar aggregate classification (germline): Uncertain significance (1 of 4 stars; one submission).

Conditions:
Developmental and epileptic encephalopathy, 31A. Also called: Epileptic encephalopathy, early infantile, 31; Developmental and epileptic encephalopathy, 31. Identifiers: Orphanet 2382, MedGen C4225357, MONDO:0014598, OMIM 616346.

Allele frequency attached by ClinVar (database versions not stated): TOPMed below 0.00001.

Submission:

Labcorp Genetics (formerly Invitae), Labcorp
Classification: Uncertain significance for Developmental and epileptic encephalopathy, 31A. Last evaluated: 2022-06-20. Review status: criteria provided, single submitter. Criteria: Invitae Variant Classification Sherloc (09022015). Collection method: clinical testing. Allele origin: germline.
Comment: This sequence change replaces arginine, which is basic and polar, with glutamine, which is neutral and polar, at codon 385 of the DNM1 protein (p.Arg385Gln). This variant is not present in population databases (gnomAD no frequency). This missense change has been observed in individual(s) with clinical features of DNM1-related conditions (PMID: 33004838). ClinVar contains an entry for this variant (Variation ID: 1037064). Algorithms developed to predict the effect of missense changes on protein structure and function are either unavailable or do not agree on the potential impact of this missense change (SIFT: "Tolerated"; PolyPhen-2: "Probably Damaging"; Align-GVGD: "Class C0"). In summary, the available evidence is currently insufficient to determine the role of this variant in disease. Therefore, it has been classified as a Variant of Uncertain Significance.

Literature cited by the submitters: PubMed 33004838.

NM_004408.4(DNM1):c.1154G>A (p.Arg385Gln)

Gene: DNM1 (dynamin 1; plus strand). Cytogenetic location: 9q34.11.
Variant type: single nucleotide variant.
Coding change: c.1154G>A on transcript NM_004408.4 (MANE Select); coding-DNA position 1154, G replaced by A.
Protein change: p.Arg385Gln; replaces arginine 385 with glutamine.
Molecular consequence: missense variant.
Genome position (GRCh38, 1-based): chr9:128,222,818, G>A. VCF-style: chr9-128222818-G-A. GRCh37 (hg19) VCF-style: chr9-130985097-G-A.
Other names: c.1154G>A, p.Arg385Gln (NM_001005336.3, NM_001288737.2, NM_001288738.2 and 2 more transcripts); short protein forms R385Q.
Identifiers: ClinVar variation 1037064 (VCV001037064.9), dbSNP rs1428107171, ClinGen allele CA375016595.